The following is an entry in ClinVar:

ClinVar aggregate classification (germline): Uncertain significance (1 of 4 stars; one submission).

Submission:

Labcorp Genetics (formerly Invitae), Labcorp
Classification: Uncertain significance. Last evaluated: 2025-04-22. Review status: criteria provided, single submitter. Criteria: Invitae Variant Classification Sherloc (09022015). Collection method: clinical testing. Allele origin: germline.
Comment: This sequence change replaces proline, which is neutral and non-polar, with serine, which is neutral and polar, at codon 201 of the LOX protein (p.Pro201Ser). This variant is not present in population databases (gnomAD no frequency). This variant has not been reported in the literature in individuals affected with LOX-related conditions. Invitae Evidence Modeling of protein sequence and biophysical properties (such as structural, functional, and spatial information, amino acid conservation, physicochemical variation, residue mobility, and thermodynamic stability) has been performed for this missense variant. However, the output from this modeling did not meet the statistical confidence thresholds required to predict the impact of this variant on LOX protein function. In summary, the available evidence is currently insufficient to determine the role of this variant in disease. Therefore, it has been classified as a Variant of Uncertain Significance.

NM_002317.7(LOX):c.601C>T (p.Pro201Ser)

Genes: LOX (lysyl oxidase; minus strand), SRFBP1 (serum response factor binding protein 1; plus strand). Cytogenetic location: 5q23.1.
Variant type: single nucleotide variant.
Coding change: c.601C>T on transcript NM_002317.7 (MANE Select); coding-DNA position 601, C replaced by T.
Protein change: p.Pro201Ser; replaces proline 201 with serine.
Molecular consequence: missense variant.
Genome position (GRCh38, 1-based): chr5:122,077,385, G>A on the plus strand (C>T on the coding strand, the complement: LOX is on the minus strand). VCF-style: chr5-122077385-G-A. GRCh37 (hg19) VCF-style: chr5-121413080-G-A.
Other names: short protein forms P201S.
Identifiers: ClinVar variation 4710011 (VCV004710011.1).
Genomic context (GRCh38, chr5:122,077,385, plus strand): 5'-GGTGCTTCCAGCGGACTTGGGGGTACTTACCGTACTGGAAGTAGCCAGTGCCGTATCCGG[G>A]CCGGTACCTGCCCCCAGGTCTGGGCCTTTCATAAGTATCGTAGTAGTTGTAATAAGGGTT-3'
Protein context (NP_002308.2, residues 191-211): ERPRPGGRYR[Pro201Ser]GYGTGYFQYG